The following is an entry in ClinVar:

ClinVar aggregate classification (germline): Uncertain significance. Review status: criteria provided, multiple submitters, no conflicts (2 of 4 stars). 3 submissions from 3 submitters: Uncertain significance (3). Last evaluated 2026-02-03.

Conditions:
Marfan syndrome (MFS). Also called: MARFAN SYNDROME, TYPE I; Marfan syndrome type 1; Marfan's syndrome; Marfan syndrome, classic; FBN1-Related Marfan Syndrome. Identifiers: Orphanet 284963, Orphanet 558, MedGen C0024796, MONDO:0007947, OMIM 154700.
Familial thoracic aortic aneurysm and aortic dissection (TAAD). Also called: Thoracic aortic aneurysms and dissections. Identifiers: Orphanet 91387, MedGen C4707243, MONDO:0019625.

Submissions (3):

GeneDx
Classification: Uncertain significance. Last evaluated: 2026-02-03. Review status: criteria provided, single submitter. Criteria: GeneDx Variant Classification Process June 2021. Collection method: clinical testing. Allele origin: germline.
Comment: Not observed at significant frequency in large population cohorts (gnomAD); In silico analysis suggests that this missense variant does not alter protein structure/function; Has not been previously published as pathogenic or benign to our knowledge

Labcorp Genetics (formerly Invitae), Labcorp
Classification: Uncertain significance for Marfan syndrome; Familial thoracic aortic aneurysm and aortic dissection. Last evaluated: 2025-10-26. Review status: criteria provided, single submitter. Criteria: Invitae Variant Classification Sherloc (09022015). Collection method: clinical testing. Allele origin: germline.
Comment: This sequence change replaces isoleucine, which is neutral and non-polar, with methionine, which is neutral and non-polar, at codon 749 of the FBN1 protein (p.Ile749Met). This variant is not present in population databases (gnomAD no frequency). This variant has not been reported in the literature in individuals affected with FBN1-related conditions. ClinVar contains an entry for this variant (Variation ID: 3894060). Invitae Evidence Modeling of protein sequence and biophysical properties (such as structural, functional, and spatial information, amino acid conservation, physicochemical variation, residue mobility, and thermodynamic stability) indicates that this missense variant is not expected to disrupt FBN1 protein function with a negative predictive value of 95%. In summary, the available evidence is currently insufficient to determine the role of this variant in disease. Therefore, it has been classified as a Variant of Uncertain Significance.

Color Diagnostics, LLC DBA Color Health
Classification: Uncertain significance for Familial thoracic aortic aneurysm and aortic dissection. Last evaluated: 2024-09-03. Review status: criteria provided, single submitter. Criteria: ACMG Guidelines, 2015. Collection method: clinical testing. Allele origin: germline.
Comment: This missense variant replaces isoleucine with methionine at codon 749 of the FBN1 protein. Computational prediction suggests that this variant may not impact protein structure and function (internally defined REVEL score threshold <= 0.5, PMID: 27666373). To our knowledge, functional studies have not been reported for this variant. This variant has not been reported in individuals affected with FBN1-related disorders in the literature. This variant has not been identified in the general population by the Genome Aggregation Database (gnomAD). The available evidence is insufficient to determine the role of this variant in disease conclusively. Therefore, this variant is classified as a Variant of Uncertain Significance.

NM_000138.5(FBN1):c.2247A>G (p.Ile749Met)

Gene: FBN1 (fibrillin 1; minus strand). Cytogenetic location: 15q21.1.
Variant type: single nucleotide variant.
Coding change: c.2247A>G on transcript NM_000138.5 (MANE Select); coding-DNA position 2247, A replaced by G.
Protein change: p.Ile749Met; replaces isoleucine 749 with methionine.
Molecular consequence: missense variant.
Genome position (GRCh38, 1-based): chr15:48,497,312, T>C on the plus strand (A>G on the coding strand, the complement: FBN1 is on the minus strand). VCF-style: chr15-48497312-T-C. GRCh37 (hg19) VCF-style: chr15-48789509-T-C.
Other names: c.2247A>G, p.Ile749Met (NM_001406716.1); short protein forms I749M.
Identifiers: ClinVar variation 3894060 (VCV003894060.3).
Genomic context (GRCh38, chr15:48,497,312, plus strand): 5'-GTAAAACTTCTCACCAACGCAGTTTTTCCCAGTTGAATCCACTTCATATCCTGAATTGCA[T>C]ATACATTTATAGGTCCCACGAAGGTTTTCACAGATTCCATTTGGGCAAATATCAGGATCT-3'
Protein context (NP_000129.3, residues 739-759): CENLRGTYKC[Ile749Met]CNSGYEVDST